The following is an entry in ClinVar:

NM_005051.3(QARS1):c.1526G>A (p.Arg509Gln)

Gene: QARS1 (glutaminyl-tRNA synthetase 1; minus strand). Cytogenetic location: 3p21.31.
Variant type: single nucleotide variant.
Coding change: c.1526G>A on transcript NM_005051.3 (MANE Select); coding-DNA position 1526, G replaced by A.
Protein change: p.Arg509Gln; replaces arginine 509 with glutamine.
Molecular consequence: missense variant. On other transcripts: non-coding transcript variant (1).
Genome position (GRCh38, 1-based): chr3:49,099,510, C>T on the plus strand (G>A on the coding strand, the complement: QARS1 is on the minus strand). VCF-style: chr3-49099510-C-T. GRCh37 (hg19) VCF-style: chr3-49136943-C-T.
Other names: c.1493G>A, p.Arg498Gln (NM_001272073.2); short protein forms R509Q, R498Q.
Identifiers: ClinVar variation 477830 (VCV000477830.3), dbSNP rs769522516, ClinGen allele CA2391737.
Genomic context (GRCh38, chr3:49,099,510, plus strand): 5'-TGAGAAGGCCTTTGGGAGCATATGCCATTAACCTTTCATAAGCCAAACAGCCGCACCTAC[C>T]GCACAGCACCAGTTGCTACAAGCTGGAGGATCTTCCTCTTAGAGACAACAGCATAGTGCA-3'
Protein context (NP_005042.1, residues 499-519): ILQLVATGAV[Arg509Gln]DWDDPRLFTL

ClinVar aggregate classification (germline): Uncertain significance (1 of 4 stars; one submission).

Allele frequency attached by ClinVar (database versions not stated): gnomAD 0.00001; gnomAD exomes 0.00001 and 0.00002; TOPMed 0.00001; ExAC 0.00002.

Submission:

Labcorp Genetics (formerly Invitae), Labcorp
Classification: Uncertain significance. Last evaluated: 2021-11-10. Review status: criteria provided, single submitter. Criteria: Invitae Variant Classification Sherloc (09022015). Collection method: clinical testing. Allele origin: germline.
Comment: This sequence change replaces arginine, which is basic and polar, with glutamine, which is neutral and polar, at codon 509 of the QARS protein (p.Arg509Gln). This variant also falls at the last nucleotide of exon 16, which is part of the consensus splice site for this exon. This variant is present in population databases (rs769522516, gnomAD 0.02%). This variant has not been reported in the literature in individuals affected with QARS-related conditions. ClinVar contains an entry for this variant (Variation ID: 477830). Algorithms developed to predict the effect of missense changes on protein structure and function are either unavailable or do not agree on the potential impact of this missense change (SIFT: "Tolerated"; PolyPhen-2: "Probably Damaging"; Align-GVGD: "Class C0"). Variants that disrupt the consensus splice site are a relatively common cause of aberrant splicing (PMID: 17576681, 9536098). Algorithms developed to predict the effect of sequence changes on RNA splicing suggest that this variant may disrupt the consensus splice site. In summary, the available evidence is currently insufficient to determine the role of this variant in disease. Therefore, it has been classified as a Variant of Uncertain Significance.

Literature cited by the submitters: PubMed 17576681; PubMed 9536098.